The following is an entry in ClinVar:

NM_005732.4(RAD50):c.3605G>C (p.Ser1202Thr)

Genes: TH2LCRR (T helper type 2 locus control region associated RNA; minus strand), TH2-LCR (Th2 cytokine locus control region; plus strand), RAD50 (RAD50 double strand break repair protein; plus strand). Cytogenetic location: 5q31.1.
Variant type: single nucleotide variant.
Coding change: c.3605G>C on transcript NM_005732.4 (MANE Select); coding-DNA position 3605, G replaced by C.
Protein change: p.Ser1202Thr; replaces serine 1202 with threonine.
Molecular consequence: missense variant. On other transcripts: non-coding transcript variant (3).
Genome position (GRCh38, 1-based): chr5:132,638,210, G>C. VCF-style: chr5-132638210-G-C. GRCh37 (hg19) VCF-style: chr5-131973902-G-C.
Other names: short protein forms S1202T.
Identifiers: ClinVar variation 480414 (VCV000480414.13), dbSNP rs1226471536, ClinGen allele CA360932410.
Genomic context (GRCh38, chr5:132,638,210, plus strand): 5'-ATAACTACCGAGTGGTGATGCTGAAGGGAGACACAGCCTTGGATATGCGAGGACGATGCA[G>C]TGCTGGACAAAAGGCAGGTATCTCAAAAGCCTGGGGAGCCAACTCACCCAAGTAACTGAA-3'
Protein context (NP_005723.2, residues 1192-1212): DTALDMRGRC[Ser1202Thr]AGQKVLASLI

ClinVar aggregate classification (germline): Uncertain significance. Review status: criteria provided, multiple submitters, no conflicts (2 of 4 stars). 2 submissions from 2 submitters: Uncertain significance (2). Last evaluated 2021-10-09.

Conditions:
Hereditary cancer-predisposing syndrome. Also called: Hereditary Cancer Syndrome; Neoplastic Syndromes, Hereditary; Tumor predisposition; Hereditary neoplastic syndrome. Identifiers: Orphanet 140162, MedGen C0027672, MeSH D009386, MONDO:0015356.

Allele frequency attached by ClinVar (database versions not stated): TOPMed below 0.00001.

Submissions (2):

Labcorp Genetics (formerly Invitae), Labcorp
Classification: Uncertain significance for Hereditary cancer-predisposing syndrome. Last evaluated: 2021-10-09. Review status: criteria provided, single submitter. Criteria: Invitae Variant Classification Sherloc (09022015). Collection method: clinical testing. Allele origin: germline.
Comment: This variant has not been reported in the literature in individuals affected with RAD50-related conditions. ClinVar contains an entry for this variant (Variation ID: 480414). Algorithms developed to predict the effect of missense changes on protein structure and function are either unavailable or do not agree on the potential impact of this missense change (SIFT: "Deleterious"; PolyPhen-2: "Probably Damaging"; Align-GVGD: "Class C0"). In summary, the available evidence is currently insufficient to determine the role of this variant in disease. Therefore, it has been classified as a Variant of Uncertain Significance. This variant is not present in population databases (ExAC no frequency). This sequence change replaces serine with threonine at codon 1202 of the RAD50 protein (p.Ser1202Thr). The serine residue is highly conserved and there is a small physicochemical difference between serine and threonine.

Ambry Genetics
Classification: Uncertain significance for Hereditary cancer-predisposing syndrome. Last evaluated: 2016-03-02. Review status: criteria provided, single submitter. Criteria: Ambry Variant Classification Scheme 2023. Collection method: clinical testing. Allele origin: germline.
Comment: The p.S1202T variant (also known as c.3605G>C), located in coding exon 23 of the RAD50 gene, results from a G to C substitution at nucleotide position 3605. The serine at codon 1202 is replaced by threonine, an amino acid with similar properties. This variant was not reported in population based cohorts in the following databases: Database of Single Nucleotide Polymorphisms (dbSNP), NHLBI Exome Sequencing Project (ESP), and 1000 Genomes Project. In the ESP, this variant was not observed in 6503 samples (13006 alleles) with coverage at this position. To date, this alteration has been detected with an allele frequency of approximately 0.001% (greater than 120000 alleles tested) in our clinical cohort. This amino acid position is highly conserved in available vertebrate species. In addition, this alteration is predicted to be deleterious by in silico analysis. Since supporting evidence is limited at this time, the clinical significance of this alteration remains unclear.